The following is an entry in ClinVar:

NM_004304.5(ALK):c.1307C>T (p.Ala436Val)

Gene: ALK (ALK receptor tyrosine kinase; minus strand). Cytogenetic location: 2p23.2.
Variant type: single nucleotide variant.
Coding change: c.1307C>T on transcript NM_004304.5 (MANE Select); coding-DNA position 1307, C replaced by T.
Protein change: p.Ala436Val; replaces alanine 436 with valine.
Molecular consequence: missense variant.
Genome position (GRCh38, 1-based): chr2:29,328,457, G>A on the plus strand (C>T on the coding strand, the complement: ALK is on the minus strand). VCF-style: chr2-29328457-G-A. GRCh37 (hg19) VCF-style: chr2-29551323-G-A.
Other names: short protein forms A436V.
Identifiers: ClinVar variation 948969 (VCV000948969.10), dbSNP rs1430324218, ClinGen allele CA346474501.
Genomic context (GRCh38, chr2:29,328,457, plus strand): 5'-TCACAGGCCTGCCCAAGCTGGAGGACTGTCCCATTCCAACAAGTGAAGGAGCTCTGCAGG[G>A]CCATCTTGGAGCCTGGGGATGTTCCTGGAGAGCACACAGACACACAACCATGGTAAGTTT-3'
Protein context (NP_004295.2, residues 426-446): SEGTSPGSKM[Ala436Val]LQSSFTCWNG

ClinVar aggregate classification (germline): Uncertain significance. Review status: criteria provided, multiple submitters, no conflicts (2 of 4 stars). 2 submissions from 2 submitters: Uncertain significance (2). Last evaluated 2026-08-02.

Conditions:
Neuroblastoma, susceptibility to, 3. Also called: ALK-Related Neuroblastic Tumor Susceptibility. Identifiers: Orphanet 635, MedGen C2751681, MONDO:0013083, OMIM 613014.
Hereditary cancer-predisposing syndrome. Also called: Neoplastic Syndromes, Hereditary; Hereditary Cancer Syndrome; Tumor predisposition; Hereditary neoplastic syndrome. Identifiers: Orphanet 140162, MedGen C0027672, MeSH D009386, MONDO:0015356.

Allele frequency attached by ClinVar (database versions not stated): gnomAD exomes below 0.00001.
gnomAD v4.1: 2 of 1,614,180 alleles (0.00012%); highest among the groups gnomAD compares: South Asian, 0.0022%; no homozygotes.

Submissions (2):

Ambry Genetics
Classification: Uncertain significance for Hereditary cancer-predisposing syndrome. Last evaluated: 2026-08-02. Review status: criteria provided, single submitter. Criteria: Ambry Variant Classification Scheme 2023. Collection method: clinical testing. Allele origin: germline.
Comment: The p.A436V variant (also known as c.1307C>T), located in coding exon 6 of the ALK gene, results from a C to T substitution at nucleotide position 1307. The alanine at codon 436 is replaced by valine, an amino acid with similar properties. This amino acid position is conserved. In addition, the in silico prediction for this alteration is inconclusive. Based on the available evidence, the clinical significance of this variant remains unclear.

Labcorp Genetics (formerly Invitae), Labcorp
Classification: Uncertain significance for Neuroblastoma, susceptibility to, 3. Last evaluated: 2019-07-08. Review status: criteria provided, single submitter. Criteria: Invitae Variant Classification Sherloc (09022015). Collection method: clinical testing. Allele origin: germline.
Comment: This variant is not present in population databases (ExAC no frequency). This sequence change replaces alanine with valine at codon 436 of the ALK protein (p.Ala436Val). The alanine residue is highly conserved and there is a small physicochemical difference between alanine and valine. In summary, the available evidence is currently insufficient to determine the role of this variant in disease. Therefore, it has been classified as a Variant of Uncertain Significance. Algorithms developed to predict the effect of missense changes on protein structure and function are either unavailable or do not agree on the potential impact of this missense change (SIFT: "Deleterious"; PolyPhen-2: "Probably Damaging"; Align-GVGD: "Class C0"). This variant has not been reported in the literature in individuals with ALK-related conditions.